The following is an entry in ClinVar:

NM_170606.3(KMT2C):c.2934T>C (p.Ser978=)

Gene: KMT2C (lysine methyltransferase 2C; minus strand). Cytogenetic location: 7q36.1.
Variant type: single nucleotide variant.
Coding change: c.2934T>C on transcript NM_170606.3 (MANE Select); coding-DNA position 2934, T replaced by C.
Protein change: p.Ser978=; no amino-acid change (serine 978 retained).
Molecular consequence: synonymous variant.
Genome position (GRCh38, 1-based): chr7:152,229,965, A>G on the plus strand (T>C on the coding strand, the complement: KMT2C is on the minus strand). VCF-style: chr7-152229965-A-G. GRCh37 (hg19) VCF-style: chr7-151927050-A-G.
Identifiers: ClinVar variation 4534698 (VCV004534698.6).

ClinVar aggregate classification (germline): Likely benign (1 of 4 stars; one submission).

Submission:

CeGaT Center for Human Genetics Tuebingen
Classification: Likely benign. Last evaluated: 2025-10-01. Review status: criteria provided, single submitter. Criteria: CeGaT Center For Human Genetics Tuebingen Variant Classification Criteria Version 2. Collection method: clinical testing. Allele origin: germline. Affected: yes. Observed: 1 variant allele.
Comment: KMT2C: PM2:Supporting, BP4, BP7